The following is an entry in ClinVar:

NM_020458.4(TTC7A):c.550G>A (p.Ala184Thr)

Genes: TTC7A (tetratricopeptide repeat domain 7A; plus strand), LOC126806211 (CDK7 strongly-dependent group 2 enhancer GRCh37_chr2:47201305-47202504; plus strand). Cytogenetic location: 2p21.
Variant type: single nucleotide variant.
Coding change: c.550G>A on transcript NM_020458.4 (MANE Select); coding-DNA position 550, G replaced by A.
Protein change: p.Ala184Thr; replaces alanine 184 with threonine.
Molecular consequence: missense variant. On other transcripts: 5 prime UTR variant (1).
Genome position (GRCh38, 1-based): chr2:46,975,005, G>A. VCF-style: chr2-46975005-G-A. GRCh37 (hg19) VCF-style: chr2-47202144-G-A.
Other names: c.550G>A, p.Ala184Thr (NM_001288951.2); c.448G>A, p.Ala150Thr (NM_001288953.2); c.-355G>A (NM_001288955.2); c.550G>A (NM_020458.2, NM_020458.3); short protein forms A184T, A150T.
Identifiers: ClinVar variation 2077521 (VCV002077521.3), dbSNP rs769450594, ClinGen allele CA1647250.

ClinVar aggregate classification (germline): Uncertain significance. Review status: criteria provided, multiple submitters, no conflicts (2 of 4 stars). 3 submissions from 3 submitters: Uncertain significance (3). Last evaluated 2025-10-30.

Conditions:
Inborn genetic diseases. Identifiers: MedGen C0950123, MeSH D030342.
TTC7A-related disorder. Also called: TTC7A-related condition.
Multiple gastrointestinal atresias. Also called: FAMILIAL INTESTINAL POLYATRESIA SYNDROME; Multiple intestinal atresia. Identifiers: Orphanet 2300, MedGen C0220744, MONDO:0009465.

Allele frequency attached by ClinVar (database versions not stated): ExAC 0.00004.
gnomAD v4.1: 19 of 1,613,802 alleles (0.0012%); highest among the groups gnomAD compares: Middle Eastern, 0.016%; no homozygotes.

Submissions (3):

Ambry Genetics
Classification: Uncertain significance for Inborn genetic diseases. Last evaluated: 2025-10-30. Review status: criteria provided, single submitter. Criteria: Ambry Variant Classification Scheme 2023. Collection method: clinical testing. Allele origin: germline.

PreventionGenetics, part of Exact Sciences
Classification: Uncertain significance for TTC7A-related condition. Last evaluated: 2025-09-26. Review status: criteria provided, single submitter. Criteria: ACMG Guidelines, 2015. Collection method: clinical testing. Allele origin: germline.
Comment: The TTC7A c.550G>A variant is predicted to result in the amino acid substitution p.Ala184Thr. To our knowledge, this variant has not been reported in the literature. This variant is reported in 0.0065% of alleles in individuals of South Asian descent in gnomAD. At this time, the clinical significance of this variant is uncertain due to the absence of conclusive functional and genetic evidence.

Labcorp Genetics (formerly Invitae), Labcorp
Classification: Uncertain significance for Multiple gastrointestinal atresias. Last evaluated: 2022-04-08. Review status: criteria provided, single submitter. Criteria: Invitae Variant Classification Sherloc (09022015). Collection method: clinical testing. Allele origin: germline.
Comment: This sequence change replaces alanine, which is neutral and non-polar, with threonine, which is neutral and polar, at codon 184 of the TTC7A protein (p.Ala184Thr). This variant is present in population databases (rs769450594, gnomAD 0.006%). This variant has not been reported in the literature in individuals affected with TTC7A-related conditions. Algorithms developed to predict the effect of missense changes on protein structure and function are either unavailable or do not agree on the potential impact of this missense change (SIFT: "Deleterious"; PolyPhen-2: "Benign"; Align-GVGD: "Class C0"). In summary, the available evidence is currently insufficient to determine the role of this variant in disease. Therefore, it has been classified as a Variant of Uncertain Significance.